The following is an entry in ClinVar:

NM_014141.6(CNTNAP2):c.1897+8T>A

Gene: CNTNAP2 (contactin associated protein 2; plus strand). Cytogenetic location: 7q35.
Variant type: single nucleotide variant.
Coding change: c.1897+8T>A on transcript NM_014141.6 (MANE Select); 8 bases into the intron after coding-DNA position 1897, T replaced by A.
Molecular consequence: intron variant.
Genome position (GRCh38, 1-based): chr7:147,562,265, T>A. VCF-style: chr7-147562265-T-A. GRCh37 (hg19) VCF-style: chr7-147259357-T-A.
Identifiers: ClinVar variation 391333 (VCV000391333.9), dbSNP rs769157591, ClinGen allele CA4546230.

ClinVar aggregate classification (germline): Likely benign. Review status: criteria provided, multiple submitters, no conflicts (2 of 4 stars). 2 submissions from 2 submitters: Likely benign (2). Last evaluated 2026-01-09.

Conditions:
Cortical dysplasia-focal epilepsy syndrome (PTHSL1). Also called: Pitt-Hopkins-like syndrome 1. Identifiers: Orphanet 163681, Orphanet 221150, MedGen C2750246, MONDO:0012400, OMIM 610042.

Allele frequency attached by ClinVar (database versions not stated): TOPMed 0.00011; gnomAD 0.00014.
gnomAD v4.1: 24 of 1,613,632 alleles (0.0015%); highest among the groups gnomAD compares: African/African-American, 0.031%; no homozygotes.

Submissions (2):

Labcorp Genetics (formerly Invitae), Labcorp
Classification: Likely benign for Cortical dysplasia-focal epilepsy syndrome. Last evaluated: 2026-01-09. Review status: criteria provided, single submitter. Criteria: Invitae Variant Classification Sherloc (09022015). Collection method: clinical testing. Allele origin: germline.

GeneDx
Classification: Likely benign. Last evaluated: 2016-11-29. Review status: criteria provided, single submitter. Criteria: GeneDx Variant Classification (06012015). Collection method: clinical testing. Allele origin: germline. Affected: yes.
Comment: This variant is considered likely benign or benign based on one or more of the following criteria: it is a conservative change, it occurs at a poorly conserved position in the protein, it is predicted to be benign by multiple in silico algorithms, and/or has population frequency not consistent with disease.